The following is an entry in ClinVar:

NM_020297.4(ABCC9):c.4512+711G>A

Genes: ABCC9 (ATP binding cassette subfamily C member 9; minus strand), KCNJ8-AS1 (KCNJ8 antisense RNA 1; plus strand). Cytogenetic location: 12p12.1.
Variant type: single nucleotide variant.
Coding change: c.4512+711G>A on transcript NM_020297.4 (MANE Select); 711 bases into the intron after coding-DNA position 4512, G replaced by A.
Molecular consequence: intron variant. On other transcripts: missense variant (1).
Genome position (GRCh38, 1-based): chr12:21,805,287, C>T on the plus strand (G>A on the coding strand, the complement: ABCC9 is on the minus strand). VCF-style: chr12-21805287-C-T. GRCh37 (hg19) VCF-style: chr12-21958221-C-T.
Other names: c.4537G>A, p.Ala1513Thr (NM_005691.4); c.3645+711G>A (NM_001377274.1); c.4512+711G>A (NM_001377273.1); c.4537G>A (NM_005691.2); short protein forms A1513T.
Identifiers: ClinVar variation 856369 (VCV000856369.56), dbSNP rs72559751, ClinGen allele CA6480818.

ClinVar aggregate classification (germline): Conflicting classifications of pathogenicity. Review status: criteria provided, conflicting classifications (1 of 4 stars). 9 submissions from 9 submitters: Uncertain significance (5); Likely benign (1). 3 of the submissions do not count toward it. Last evaluated 2025-12-08.

Conditions:
Dilated cardiomyopathy 1O (CMD1O). Also called: CARDIOMYOPATHY, DILATED, WITH VENTRICULAR TACHYCARDIA. Identifiers: Orphanet 154, MedGen C1837839, MONDO:0012062, OMIM 608569.
Hypertrichotic osteochondrodysplasia Cantu type. Also called: Cantu Syndrome; Cantú Syndrome. Identifiers: Orphanet 1517, MedGen C0795905, MONDO:0009406, OMIM 239850.
Intellectual disability and myopathy syndrome (IDMYS). Identifiers: MedGen C5676904, MONDO:0859224, OMIM 619719.
Atrial fibrillation, familial, 12 (ATFB12). Identifiers: MedGen C3279695, MONDO:0013545, OMIM 614050.
ABCC9-related disorder. Also called: ABCC9-related condition; ABCC9-related disorders.
Cardiovascular phenotype. Identifiers: MedGen CN230736.

Allele frequency attached by ClinVar (database versions not stated): gnomAD exomes 0.00004 and 0.00006; ExAC 0.00005; gnomAD 0.00005 and 0.00006; TOPMed 0.00005.
gnomAD v4.1: 101 of 1,613,782 alleles (0.0063%); highest among the groups gnomAD compares: Middle Eastern, 0.016%; no homozygotes.

Submissions (9):

Labcorp Genetics (formerly Invitae), Labcorp
Classification: Uncertain significance for Dilated cardiomyopathy 1O. Last evaluated: 2025-12-08. Review status: criteria provided, single submitter. Criteria: Invitae Variant Classification Sherloc (09022015). Collection method: clinical testing. Allele origin: germline.
Comment: This sequence change replaces alanine, which is neutral and non-polar, with threonine, which is neutral and polar, at codon 1513 of the ABCC9 protein (p.Ala1513Thr). This variant is present in population databases (rs72559751, gnomAD 0.01%). This missense change has been observed in individual(s) with dilated cardiomyopathy and/or sudden cardiac death (PMID: 15034580, 34076677). ClinVar contains an entry for this variant (Variation ID: 856369). Invitae Evidence Modeling of protein sequence and biophysical properties (such as structural, functional, and spatial information, amino acid conservation, physicochemical variation, residue mobility, and thermodynamic stability) has been performed for this missense variant. However, the output from this modeling did not meet the statistical confidence thresholds required to predict the impact of this variant on ABCC9 protein function. Experimental studies have shown that this missense change affects ABCC9 function (PMID: 15034580). In summary, the available evidence is currently insufficient to determine the role of this variant in disease. Therefore, it has been classified as a Variant of Uncertain Significance.

PreventionGenetics, part of Exact Sciences
Classification: Uncertain significance for ABCC9-related condition. Last evaluated: 2025-07-25. Review status: criteria provided, single submitter. Criteria: ACMG Guidelines, 2015. Collection method: clinical testing. Allele origin: germline.
Comment: The ABCC9 c.4537G>A variant is predicted to result in the amino acid substitution p.Ala1513Thr. This variant corresponds to a deep intronic position in an alternate transcript for this gene (NM_020297:c.4512+711G>A). This variant has been reported in an individual with dilated cardiomyopathy and ventricular tachycardia (Bienengraeber et al. 2004. PubMed ID: 15034580). Functional studies showed that this variant compromises ATP hydrolysis activity (Bienengraeber et al. 2004. PubMed ID: 15034580). This variant is reported in 0.011% of alleles in individuals of European (Non-Finnish) descent in gnomAD. At this time, the clinical significance of this variant is uncertain due to the absence of conclusive functional and genetic evidence.

Ambry Genetics
Classification: Likely benign for Cardiovascular phenotype. Last evaluated: 2023-04-10. Review status: criteria provided, single submitter. Criteria: Ambry Variant Classification Scheme 2023. Collection method: clinical testing. Allele origin: germline.

GeneDx
Classification: Uncertain significance. Last evaluated: 2023-03-13. Review status: criteria provided, single submitter. Criteria: GeneDx Variant Classification Process June 2021. Collection method: clinical testing. Allele origin: germline. Affected: yes.
Comment: Reported as an incidental finding in a fetus with multiple congenital anomalies; the variant was paternally inherited and the father was informed he should have a cardiology exam (Corsten-Janssen et al., 2020); In silico analysis supports that this missense variant does not alter protein structure/function; Published functional studies show abnormal channel gating, suggesting that this variant affects ATP-dependent pore regulation (Bienengraeber et al., 2004); however, additional studies are needed to clarify the effect of this variant in vivo; Reported using an alternate transcript of the gene; This variant is associated with the following publications: (PMID: 15034580, 34076677, 32627857)

Fulgent Genetics
Classification: Uncertain significance for Hypertrichotic osteochondrodysplasia Cantu type; Dilated cardiomyopathy 1O; Atrial fibrillation, familial, 12; Intellectual disability and myopathy syndrome. Last evaluated: 2021-11-12. Review status: criteria provided, single submitter. Criteria: ACMG Guidelines, 2015. Collection method: clinical testing. Allele origin: unknown.

CeGaT Center for Human Genetics Tuebingen
Classification: Uncertain significance. Last evaluated: 2020-09-01. Review status: criteria provided, single submitter. Criteria: CeGaT Center For Human Genetics Tuebingen Variant Classification Criteria Version 2. Collection method: clinical testing. Allele origin: germline. Affected: yes. Observed: 1 variant allele.

Clinical Genetics DNA and cytogenetics Diagnostics Lab, Erasmus MC, Erasmus Medical Center
Classification: Likely pathogenic. Review status: no assertion criteria provided. Collection method: clinical testing. Allele origin: germline. Affected: yes. Study: VKGL Data-share Consensus. Not counted in ClinVar's aggregate classification.

Diagnostic Laboratory, Department of Genetics, University Medical Center Groningen
Classification: Likely pathogenic. Review status: no assertion criteria provided. Collection method: clinical testing. Allele origin: germline. Affected: yes. Study: VKGL Data-share Consensus. Not counted in ClinVar's aggregate classification.

Genome Diagnostics Laboratory, University Medical Center Utrecht
Classification: Likely pathogenic. Review status: no assertion criteria provided. Collection method: clinical testing. Allele origin: germline. Affected: yes. Study: VKGL Data-share Consensus. Not counted in ClinVar's aggregate classification.

Literature cited by the submitters: PubMed 15034580 (cited by Labcorp Genetics (formerly Invitae), Labcorp and Ambry Genetics); PubMed 34076677 (cited by Labcorp Genetics (formerly Invitae), Labcorp and Ambry Genetics).